The following is an entry in ClinVar:

NM_005228.5(EGFR):c.373T>G (p.Tyr125Asp)

Gene: EGFR (epidermal growth factor receptor; plus strand). Cytogenetic location: 7p11.2.
Variant type: single nucleotide variant.
Coding change: c.373T>G on transcript NM_005228.5 (MANE Select); coding-DNA position 373, T replaced by G.
Protein change: p.Tyr125Asp; replaces tyrosine 125 with aspartic acid.
Molecular consequence: missense variant. On other transcripts: intron variant (1).
Genome position (GRCh38, 1-based): chr7:55,143,437, T>G. VCF-style: chr7-55143437-T-G. GRCh37 (hg19) VCF-style: chr7-55211130-T-G.
Other names: c.373T>G, p.Tyr125Asp (NM_001346897.2, NM_001346898.2, NM_001346899.2 and 3 more transcripts); c.214T>G, p.Tyr72Asp (NM_001346900.2); c.89-12393T>G (NM_001346941.2); short protein forms Y125D, Y72D.
Identifiers: ClinVar variation 1023343 (VCV001023343.9), dbSNP rs1794580640, ClinGen allele CA367575905.
Genomic context (GRCh38, chr7:55,143,437, plus strand): 5'-CAGATCATCAGAGGAAATATGTACTACGAAAATTCCTATGCCTTAGCAGTCTTATCTAAC[T>G]ATGATGCAAATAAAACCGGACTGAAGGAGCTGCCCATGAGAAATTTACAGGGTGAGAGGC-3'
Protein context (NP_005219.2, residues 115-135): NSYALAVLSN[Tyr125Asp]DANKTGLKEL

ClinVar aggregate classification (germline): Uncertain significance (1 of 4 stars; one submission).

Conditions:
EGFR-related lung cancer (EGFR). Identifiers: MedGen CN130014.

Allele frequency attached by ClinVar (database versions not stated): gnomAD exomes below 0.00001.
gnomAD v4.1: 1 of 1,614,228 alleles (0.000062%); highest among the groups gnomAD compares: East Asian, 0.0022%; no homozygotes.

Submission:

Labcorp Genetics (formerly Invitae), Labcorp
Classification: Uncertain significance for EGFR-related lung cancer. Last evaluated: 2020-01-23. Review status: criteria provided, single submitter. Criteria: Invitae Variant Classification Sherloc (09022015). Collection method: clinical testing. Allele origin: germline.
Comment: In summary, the available evidence is currently insufficient to determine the role of this variant in disease. Therefore, it has been classified as a Variant of Uncertain Significance. Algorithms developed to predict the effect of missense changes on protein structure and function are either unavailable or do not agree on the potential impact of this missense change (SIFT: "Tolerated"; PolyPhen-2: "Possibly Damaging"; Align-GVGD: "Class C0"). This variant has not been reported in the literature in individuals with EGFR-related conditions. This variant is not present in population databases (ExAC no frequency). This sequence change replaces tyrosine with aspartic acid at codon 125 of the EGFR protein (p.Tyr125Asp). The tyrosine residue is highly conserved and there is a large physicochemical difference between tyrosine and aspartic acid.